The following is an entry in ClinVar:

NM_001366207.1(DLG1):c.785C>T (p.Ala262Val)

Gene: DLG1 (discs large MAGUK scaffold protein 1; minus strand). Cytogenetic location: 3q29.
Variant type: single nucleotide variant.
Coding change: c.785C>T on transcript NM_001366207.1 (MANE Select); coding-DNA position 785, C replaced by T.
Protein change: p.Ala262Val; replaces alanine 262 with valine.
Molecular consequence: missense variant. On other transcripts: non-coding transcript variant (4).
Genome position (GRCh38, 1-based): chr3:197,138,320, G>A on the plus strand (C>T on the coding strand, the complement: DLG1 is on the minus strand). VCF-style: chr3-197138320-G-A. GRCh37 (hg19) VCF-style: chr3-196865191-G-A.
Other names: c.884C>T, p.Ala295Val (NM_001098424.1, NM_001290983.2, NM_001366214.1 and 2 more transcripts); c.785C>T, p.Ala262Val (NM_001204386.1, NM_001363865.1, NM_001366204.1 and 9 more transcripts); c.536C>T, p.Ala179Val (NM_001204387.2, NM_001204388.2); c.731C>T, p.Ala244Val (NM_001366203.1, NM_001366206.1, NM_001366216.1 and 2 more transcripts); c.635C>T, p.Ala212Val (NM_001366221.1, NM_001366222.1); short protein forms A179V, A212V, A244V, A262V, A295V.
Identifiers: ClinVar variation 3040442 (VCV003040442.2), dbSNP rs2271822, ClinGen allele CA2785647.

ClinVar aggregate classification (germline): Benign (0 of 4 stars; one submission).

Conditions:
DLG1-related disorder. Also called: DLG1-related condition.

Allele frequency attached by ClinVar (database versions not stated): TOPMed 0.00039; gnomAD 0.00040; ExAC 0.00081; 1000 Genomes Project 0.00160; 1000 Genomes Project 30x 0.00219.
gnomAD v4.1: 428 of 1,600,686 alleles (0.027%); highest among the groups gnomAD compares: East Asian, 0.92%; 6 homozygotes.

Submission:

PreventionGenetics, part of Exact Sciences
Classification: Benign for DLG1-related condition. Last evaluated: 2019-10-07. Review status: no assertion criteria provided. Collection method: clinical testing. Allele origin: germline.
Comment: This variant is classified as benign based on ACMG/AMP sequence variant interpretation guidelines (Richards et al. 2015 PMID: 25741868, with internal and published modifications).